The following is an entry in ClinVar:

ClinVar aggregate classification (germline): Uncertain significance. Review status: criteria provided, multiple submitters, no conflicts (2 of 4 stars). 2 submissions from 2 submitters: Uncertain significance (2). Last evaluated 2024-09-13.

Conditions:
Malignant hyperthermia, susceptibility to, 1 (MHS1). Also called: Anesthesia related hyperthermia; Malignant hyperpyrexia; Fulminating hyperpyrexia; Pharmacogenic myopathy; RYR1-Related Malignant Hyperthermia Susceptibility; Malignant hyperthermia suceptibility 1. Identifiers: Orphanet 423, MedGen C2930980, MONDO:0007783, OMIM 145600.

Submissions (2):

All of Us Research Program, National Institutes of Health
Classification: Uncertain significance for Malignant hyperthermia, susceptibility to, 1. Last evaluated: 2024-09-13. Review status: criteria provided, single submitter. Criteria: ACMG Guidelines, 2015. Collection method: clinical testing. Allele origin: germline. Inheritance: Autosomal dominant inheritance. Observed: 1 variant allele, 1 heterozygote.
Comment: This missense variant replaces alanine with valine at codon 1338 of the RYR1 protein. Computational prediction suggests that this variant may not impact protein structure and function (internally defined REVEL score threshold <= 0.5, PMID: 27666373). To our knowledge, functional studies have not been reported for this variant. This variant has not been reported in individuals affected with RYR1-related disorders in the literature. This variant has not been identified in the general population by the Genome Aggregation Database (gnomAD). The available evidence is insufficient to determine the role of this variant in disease conclusively. Therefore, this variant is classified as a Variant of Uncertain Significance.

This study involves interpretation of variants in research participants for the purpose of population health screening. Participant phenotype was not available at the time of variant classification. Additional details can be found in publication PMID: 35346344, PMCID: PMC8962531

Color Diagnostics, LLC DBA Color Health
Classification: Uncertain significance for Malignant hyperthermia, susceptibility to, 1. Last evaluated: 2024-07-10. Review status: criteria provided, single submitter. Criteria: ACMG Guidelines, 2015. Collection method: clinical testing. Allele origin: germline.
Comment: This missense variant replaces alanine with valine at codon 1338 of the RYR1 protein. Computational prediction suggests that this variant may not impact protein structure and function (internally defined REVEL score threshold <= 0.5, PMID: 27666373). To our knowledge, functional studies have not been reported for this variant. This variant has not been reported in individuals affected with RYR1-related disorders in the literature. This variant has not been identified in the general population by the Genome Aggregation Database (gnomAD). The available evidence is insufficient to determine the role of this variant in disease conclusively. Therefore, this variant is classified as a Variant of Uncertain Significance.

NM_000540.3(RYR1):c.4013C>T (p.Ala1338Val)

Gene: RYR1 (ryanodine receptor 1; plus strand). Cytogenetic location: 19q13.2.
Variant type: single nucleotide variant.
Coding change: c.4013C>T on transcript NM_000540.3 (MANE Select); coding-DNA position 4013, C replaced by T.
Protein change: p.Ala1338Val; replaces alanine 1338 with valine.
Molecular consequence: missense variant.
Genome position (GRCh38, 1-based): chr19:38,473,624, C>T. VCF-style: chr19-38473624-C-T. GRCh37 (hg19) VCF-style: chr19-38964264-C-T.
Other names: c.4013C>T, p.Ala1338Val (NM_001042723.2); short protein forms A1338V.
Identifiers: ClinVar variation 3387697 (VCV003387697.2).